The following is an entry in ClinVar:

NM_020911.2(PLXNA4):c.1050G>A (p.Leu350=)

Gene: PLXNA4 (plexin A4; minus strand). Cytogenetic location: 7q32.3.
Variant type: single nucleotide variant.
Coding change: c.1050G>A on transcript NM_020911.2 (MANE Select); coding-DNA position 1050, G replaced by A.
Protein change: p.Leu350=; no amino-acid change (leucine 350 retained).
Molecular consequence: synonymous variant.
Genome position (GRCh38, 1-based): chr7:132,507,644, C>T on the plus strand (G>A on the coding strand, the complement: PLXNA4 is on the minus strand). VCF-style: chr7-132507644-C-T. GRCh37 (hg19) VCF-style: chr7-132192403-C-T.
Other names: c.1050G>A, p.Leu350= (NM_001105543.2, NM_001393897.1, NM_181775.4).
Identifiers: ClinVar variation 3353238 (VCV003353238.1).

ClinVar aggregate classification (germline): Likely benign (0 of 4 stars; one submission).

Conditions:
PLXNA4-related disorder. Also called: PLXNA4-related condition.

Submission:

PreventionGenetics, part of Exact Sciences
Classification: Likely benign for PLXNA4-related condition. Last evaluated: 2022-04-27. Review status: no assertion criteria provided. Collection method: clinical testing. Allele origin: germline.
Comment: This variant is classified as likely benign based on ACMG/AMP sequence variant interpretation guidelines (Richards et al. 2015 PMID: 25741868, with internal and published modifications).